The following is an entry in ClinVar:

NM_019892.6(INPP5E):c.833_836dup (p.Ala280fs)

Gene: INPP5E (inositol polyphosphate-5-phosphatase E; minus strand). Cytogenetic location: 9q34.3.
Variant type: Duplication.
Coding change: c.833_836dup on transcript NM_019892.6 (MANE Select); coding-DNA positions 833 to 836, 4 bases duplicated (TCCT; older notation c.833_836dupTCCT).
Protein change: p.Ala280fs; shifts the reading frame from alanine 280.
Molecular consequence: frameshift variant.
Genome position (GRCh38, 1-based): chr9:136,434,840-136,434,843, AGGA duplicated on the plus strand (TCCT on the coding strand, the reverse complement: INPP5E is on the minus strand). VCF-style (leftmost placement, unchanged base first): chr9-136434839-C-CAGGA. GRCh37 (hg19) VCF-style: chr9-139329291-C-CAGGA.
Other names: c.833_836dup, p.Ala280fs (NM_001318502.2); short protein forms A280fs.
Identifiers: ClinVar variation 4987891 (VCV004987891.1).
Genomic context (GRCh38, chr9:136,434,839, plus strand): 5'-CACGTTCCGGTCTGGGAAGTAGCGGGCCAGCTCATCCGCCCCCAACAGGGCCCCGCTGGC[C>CAGGA]AGGAGGCTGCCCTCCAGGTAACTCCTGTGACGGGAGGACCCCAAGCTCAGGGCCAGGCAC-3'

ClinVar aggregate classification (germline): Likely pathogenic (1 of 4 stars; one submission).

Conditions:
INPP5E-related disorder. Also called: INPP5E-related condition.

Submission:

PreventionGenetics, part of Exact Sciences
Classification: Likely pathogenic for INPP5E-related condition. Last evaluated: 2026-05-27. Review status: criteria provided, single submitter. Criteria: ACMG Guidelines, 2015. Collection method: clinical testing. Allele origin: germline.
Comment: The INPP5E c.833_836dupTCCT variant is predicted to result in a frameshift and premature protein termination (p.Ala280Profs*11). To our knowledge, this variant has not been reported in the literature or in a large population database (gnomAD), indicating this variant is rare. Frameshift variants in INPP5E are expected to be pathogenic. This variant is interpreted as likely pathogenic.